The following is an entry in ClinVar:

NM_001739.2(CA5A):c.556C>T (p.Leu186Phe)

Gene: CA5A (carbonic anhydrase 5A; minus strand). Cytogenetic location: 16q24.2.
Variant type: single nucleotide variant.
Coding change: c.556C>T on transcript NM_001739.2 (MANE Select); coding-DNA position 556, C replaced by T.
Protein change: p.Leu186Phe; replaces leucine 186 with phenylalanine.
Molecular consequence: missense variant. On other transcripts: non-coding transcript variant (2).
Genome position (GRCh38, 1-based): chr16:87,901,974, G>A on the plus strand (C>T on the coding strand, the complement: CA5A is on the minus strand). VCF-style: chr16-87901974-G-A. GRCh37 (hg19) VCF-style: chr16-87935580-G-A.
Other names: c.556C>T, p.Leu186Phe (NM_001367225.1); short protein forms L186F.
Identifiers: ClinVar variation 579278 (VCV000579278.16), dbSNP rs375321548, ClinGen allele CA8223394.
Genomic context (GRCh38, chr16:87,901,974, plus strand): 5'-TATGTTTTATTTCCGGCAAGATGTCCACCAGCCTCTGCAGCGTCTGATGATGGGCCCCGA[G>A]CTGCATGGCAGACAAAGGAGGGGTTAGCTGCAAAGGCAGTGGATGGGGGGGGAAGCTCAC-3'
Protein context (NP_001730.1, residues 176-196): GLAVIGVFLK[Leu186Phe]GAHHQTLQRL

ClinVar aggregate classification (germline): Conflicting classifications of pathogenicity. Review status: criteria provided, conflicting classifications (1 of 4 stars). 5 submissions from 5 submitters: Uncertain significance (1); Likely benign (3). 1 of the submissions does not count toward it. Last evaluated 2026-01-07.

Conditions:
CA5A-related disorder. Also called: CA5A-related condition.
Inborn genetic diseases. Identifiers: MedGen C0950123, MeSH D030342.
Hyperammonemic encephalopathy due to carbonic anhydrase VA deficiency. Also called: Carbonic anhydrase VA deficiency, hyperammonemia due to; Carbonic Anhydrase VA Deficiency. Identifiers: Orphanet 401948, MedGen C4706871, MONDO:0014332, OMIM 615751.

Allele frequency attached by ClinVar (database versions not stated): ESP Exome Variant Server 0.00015; TOPMed 0.00017; gnomAD 0.00019 and 0.00021; ExAC 0.00022; gnomAD exomes 0.00027.
gnomAD v4.1: 254 of 1,613,518 alleles (0.016%); highest among the groups gnomAD compares: Non-Finnish European, 0.009%; 2 homozygotes.

Submissions (5):

Labcorp Genetics (formerly Invitae), Labcorp
Classification: Likely benign for Hyperammonemic encephalopathy due to carbonic anhydrase VA deficiency. Last evaluated: 2026-01-07. Review status: criteria provided, single submitter. Criteria: Invitae Variant Classification Sherloc (09022015). Collection method: clinical testing. Allele origin: germline.

GeneDx
Classification: Uncertain significance. Last evaluated: 2024-12-02. Review status: criteria provided, single submitter. Criteria: GeneDx Variant Classification Process June 2021. Collection method: clinical testing. Allele origin: germline. Affected: yes.
Comment: In silico analysis supports that this missense variant has a deleterious effect on protein structure/function; Has not been previously published as pathogenic or benign to our knowledge

Ambry Genetics
Classification: Likely benign for Inborn genetic diseases. Last evaluated: 2021-10-28. Review status: criteria provided, single submitter. Criteria: Ambry Variant Classification Scheme 2023. Collection method: clinical testing. Allele origin: germline.

Breakthrough Genomics
Classification: Likely benign. Review status: criteria provided, single submitter. Criteria: ACMG Guidelines, 2015. Collection method: not provided. Allele origin: germline. Inheritance: Autosomal recessive inheritance. Affected: yes.

PreventionGenetics, part of Exact Sciences
Classification: Likely benign for CA5A-related condition. Last evaluated: 2023-04-19. Review status: no assertion criteria provided. Collection method: clinical testing. Allele origin: germline. Not counted in ClinVar's aggregate classification.
Comment: This variant is classified as likely benign based on ACMG/AMP sequence variant interpretation guidelines (Richards et al. 2015 PMID: 25741868, with internal and published modifications).